The following is an entry in ClinVar:

ClinVar aggregate classification (germline): Uncertain significance (1 of 4 stars; one submission).

Submission:

Labcorp Genetics (formerly Invitae), Labcorp
Classification: Uncertain significance. Last evaluated: 2022-06-19. Review status: criteria provided, single submitter. Criteria: Invitae Variant Classification Sherloc (09022015). Collection method: clinical testing. Allele origin: germline.
Comment: Algorithms developed to predict the effect of missense changes on protein structure and function (SIFT, PolyPhen-2, Align-GVGD) all suggest that this variant is likely to be disruptive. This variant has not been reported in the literature in individuals affected with NOG-related conditions. This variant is present in population databases (rs138481449, gnomAD 0.002%). This sequence change replaces proline, which is neutral and non-polar, with leucine, which is neutral and non-polar, at codon 84 of the NOG protein (p.Pro84Leu). In summary, the available evidence is currently insufficient to determine the role of this variant in disease. Therefore, it has been classified as a Variant of Uncertain Significance.

NM_005450.6(NOG):c.251C>T (p.Pro84Leu)

Gene: NOG (noggin; plus strand). Cytogenetic location: 17q22.
Variant type: single nucleotide variant.
Coding change: c.251C>T on transcript NM_005450.6 (MANE Select); coding-DNA position 251, C replaced by T.
Protein change: p.Pro84Leu; replaces proline 84 with leucine.
Molecular consequence: missense variant.
Genome position (GRCh38, 1-based): chr17:56,594,474, C>T. VCF-style: chr17-56594474-C-T. GRCh37 (hg19) VCF-style: chr17-54671835-C-T.
Other names: short protein forms P84L.
Identifiers: ClinVar variation 2180260 (VCV002180260.4), dbSNP rs138481449, ClinGen allele CA8663164.